The following is an entry in ClinVar:

ClinVar aggregate classification (germline): Uncertain significance (1 of 4 stars; one submission).

Conditions:
Propionic acidemia (PROP). Also called: GLYCINEMIA, KETOTIC; HYPERGLYCINEMIA WITH KETOACIDOSIS AND LEUKOPENIA; KETOTIC HYPERGLYCINEMIA. Identifiers: Orphanet 35, MedGen C0268579, MONDO:0011628, OMIM 606054, HP:0003571.

Submission:

Labcorp Genetics (formerly Invitae), Labcorp
Classification: Uncertain significance for Propionic acidemia. Last evaluated: 2022-07-15. Review status: criteria provided, single submitter. Criteria: Invitae Variant Classification Sherloc (09022015). Collection method: clinical testing. Allele origin: germline.
Comment: This sequence change replaces methionine, which is neutral and non-polar, with threonine, which is neutral and polar, at codon 26 of the PCCA protein (p.Met26Thr). This variant is not present in population databases (gnomAD no frequency). This variant has not been reported in the literature in individuals affected with PCCA-related conditions. Advanced modeling of protein sequence and biophysical properties (such as structural, functional, and spatial information, amino acid conservation, physicochemical variation, residue mobility, and thermodynamic stability) performed at Invitae indicates that this missense variant is not expected to disrupt PCCA protein function. In summary, the available evidence is currently insufficient to determine the role of this variant in disease. Therefore, it has been classified as a Variant of Uncertain Significance.

NM_000282.4(PCCA):c.77T>C (p.Met26Thr)

Gene: PCCA (propionyl-CoA carboxylase subunit alpha; plus strand). Cytogenetic location: 13q32.3.
Variant type: single nucleotide variant.
Coding change: c.77T>C on transcript NM_000282.4 (MANE Select); coding-DNA position 77, T replaced by C.
Protein change: p.Met26Thr; replaces methionine 26 with threonine.
Molecular consequence: missense variant. On other transcripts: 5 prime UTR variant (3), non-coding transcript variant (5).
Genome position (GRCh38, 1-based): chr13:100,089,197, T>C. VCF-style: chr13-100089197-T-C. GRCh37 (hg19) VCF-style: chr13-100741451-T-C.
Other names: c.77T>C, p.Met26Thr (NM_001127692.3, NM_001178004.2, NM_001352605.2 and 4 more transcripts); c.-790T>C (NM_001352610.2, NM_001352611.2, NM_001352612.2); short protein forms M26T.
Identifiers: ClinVar variation 2089486 (VCV002089486.1), dbSNP rs2541952464, ClinGen allele CA388692726.